The following is an entry in ClinVar:

NM_001374828.1(ARID1B):c.21G>A (p.Ala7=)

Genes: ARID1B (AT-rich interaction domain 1B; plus strand), LOC115308161 (uncharacterized LOC115308161; minus strand), LOC129997522 (ATAC-STARR-seq lymphoblastoid silent region 17709; plus strand). Cytogenetic location: 6q25.3.
Variant type: single nucleotide variant.
Coding change: c.21G>A on transcript NM_001374828.1 (MANE Select); coding-DNA position 21, G replaced by A.
Protein change: p.Ala7=; no amino-acid change (alanine 7 retained).
Molecular consequence: synonymous variant.
Genome position (GRCh38, 1-based): chr6:156,777,701, G>A. VCF-style: chr6-156777701-G-A. GRCh37 (hg19) VCF-style: chr6-157098835-G-A.
Other names: c.21G>A, p.Ala7= (NM_001371656.1, NM_001374820.1, NM_017519.3).
Identifiers: ClinVar variation 2657049 (VCV002657049.24), dbSNP rs186825263, ClinGen allele CA150802650.

ClinVar aggregate classification (germline): Likely benign (1 of 4 stars; one submission).

Allele frequency attached by ClinVar (database versions not stated): gnomAD 0.00023; gnomAD exomes 0.00042.
gnomAD v4.1: 40 of 137,998 alleles (0.029%); highest among the groups gnomAD compares: Non-Finnish European, 0.041%; no homozygotes.

Submission:

CeGaT Center for Human Genetics Tuebingen
Classification: Likely benign. Last evaluated: 2026-02-01. Review status: criteria provided, single submitter. Criteria: CeGaT Center For Human Genetics Tuebingen Variant Classification Criteria Version 2. Collection method: clinical testing. Allele origin: germline. Affected: yes. Observed: 7 variant alleles.
Comment: ARID1B: BP4, BP7